The following is an entry in ClinVar:

ClinVar aggregate classification (germline): Benign/Likely benign. Review status: criteria provided, multiple submitters, no conflicts (2 of 4 stars). 7 submissions from 7 submitters: Benign (2); Likely benign (5). Last evaluated 2026-01-01.

Conditions:
Nephrolithiasis/nephrocalcinosis. Identifiers: MedGen CN580796.
PRPS1-related disorder. Also called: PRPS1-related condition.
Charcot-Marie-Tooth Neuropathy X. Identifiers: MedGen CN118851.

Allele frequency attached by ClinVar (database versions not stated): gnomAD 0.00002 and 0.00004; TOPMed 0.00003; gnomAD exomes 0.00004 and 0.00005; ExAC 0.00008; ESP Exome Variant Server 0.00009; 1000 Genomes Project 30x 0.00021; 1000 Genomes Project 0.00026.
gnomAD v4.1: 46 of 1,208,683 alleles (0.0038%); highest among the groups gnomAD compares: Middle Eastern, 0.046%; no homozygotes.

Submissions (7):

CeGaT Center for Human Genetics Tuebingen
Classification: Likely benign. Last evaluated: 2026-01-01. Review status: criteria provided, single submitter. Criteria: CeGaT Center For Human Genetics Tuebingen Variant Classification Criteria Version 2. Collection method: clinical testing. Allele origin: germline. Affected: yes. Observed: 2 variant alleles.
Comment: PRPS1: BP4, BS2

PreventionGenetics, part of Exact Sciences
Classification: Likely benign for PRPS1-related condition. Last evaluated: 2025-10-05. Review status: criteria provided, single submitter. Criteria: ACMG Guidelines, 2015. Collection method: clinical testing. Allele origin: germline.
Comment: This variant is classified as likely benign based on ACMG/AMP sequence variant interpretation guidelines (Richards et al. 2015 PMID: 25741868, with internal and published modifications).

Labcorp Genetics (formerly Invitae), Labcorp
Classification: Benign for Charcot-Marie-Tooth Neuropathy X. Last evaluated: 2025-09-08. Review status: criteria provided, single submitter. Criteria: Invitae Variant Classification Sherloc (09022015). Collection method: clinical testing. Allele origin: germline.

Blueprint Genetics
Classification: Likely benign. Last evaluated: 2023-06-29. Review status: criteria provided, single submitter. Criteria: ACMG Guidelines, 2015. Collection method: clinical testing. Allele origin: germline.

Athena Diagnostics
Classification: Benign. Last evaluated: 2020-07-23. Review status: criteria provided, single submitter. Criteria: Athena Diagnostics Criteria. Collection method: clinical testing. Allele origin: unknown.

Ambry Genetics
Classification: Likely benign for Nephrolithiasis/nephrocalcinosis. Last evaluated: 2020-02-14. Review status: criteria provided, single submitter. Criteria: Ambry Variant Classification Scheme 2023. Collection method: clinical testing. Allele origin: germline.

GeneDx
Classification: Likely benign. Last evaluated: 2020-01-28. Review status: criteria provided, single submitter. Criteria: GeneDx Variant Classification Process June 2021. Collection method: clinical testing. Allele origin: germline. Affected: yes.

NM_002764.4(PRPS1):c.705-6C>T

Gene: PRPS1 (phosphoribosyl pyrophosphate synthetase 1; plus strand). Cytogenetic location: Xq22.3.
Variant type: single nucleotide variant.
Coding change: c.705-6C>T on transcript NM_002764.4 (MANE Select); 6 bases into the intron before coding-DNA position 705, C replaced by T.
Molecular consequence: intron variant.
Genome position (GRCh38, 1-based): chrX:107,647,600, C>T. VCF-style: chrX-107647600-C-T. GRCh37 (hg19) VCF-style: chrX-106890830-C-T.
Other names: c.93-6C>T (NM_001204402.2).
Identifiers: ClinVar variation 392011 (VCV000392011.31), dbSNP rs199740956, ClinGen allele CA10485678.